The following is an entry in ClinVar:

NM_001081.4(CUBN):c.4423A>G (p.Met1475Val)

Gene: CUBN (cubilin; minus strand). Cytogenetic location: 10p13.
Variant type: single nucleotide variant.
Coding change: c.4423A>G on transcript NM_001081.4 (MANE Select); coding-DNA position 4423, A replaced by G.
Protein change: p.Met1475Val; replaces methionine 1475 with valine.
Molecular consequence: missense variant.
Genome position (GRCh38, 1-based): chr10:16,984,207, T>C on the plus strand (A>G on the coding strand, the complement: CUBN is on the minus strand). VCF-style: chr10-16984207-T-C. GRCh37 (hg19) VCF-style: chr10-17026206-T-C.
Other names: short protein forms M1475V.
Identifiers: ClinVar variation 879149 (VCV000879149.10), dbSNP rs1290241240, ClinGen allele CA376144533.

ClinVar aggregate classification (germline): Uncertain significance. Review status: criteria provided, multiple submitters, no conflicts (2 of 4 stars). 4 submissions from 4 submitters: Uncertain significance (4). Last evaluated 2022-09-28.

Conditions:
Inborn genetic diseases. Identifiers: MedGen C0950123, MeSH D030342.
Imerslund-Grasbeck syndrome. Also called: ENTEROCYTE COBALAMIN MALABSORPTION; ENTEROCYTE INTRINSIC FACTOR RECEPTOR, DEFECT OF; Imerslund-Gräsbeck syndrome; Megaloblastic anemia due to inborn errors of metabolism; PERNICIOUS ANEMIA, JUVENILE, DUE TO SELECTIVE INTESTINAL MALABSORPTION OF VITAMIN B12, WITH PROTEINURIA. Identifiers: Orphanet 35858, MedGen C4551825, MONDO:0009853.
Imerslund-Grasbeck syndrome type 1 (IGS1). Also called: Megaloblastic anemia 1, Finnish type; Imerslund-Gräsbeck syndrome 1; MEGALOBLASTIC ANEMIA, 1. Identifiers: MedGen C4016819, MONDO:0100156, OMIM 261100.
Proteinuria, chronic benign. Identifiers: MedGen C5394384, MONDO:0030042, OMIM 618884.

Allele frequency attached by ClinVar (database versions not stated): gnomAD 0.00004 and 0.00003; gnomAD exomes 0.00003; TOPMed 0.00002.

Submissions (4):

Ambry Genetics
Classification: Uncertain significance for Inborn genetic diseases. Last evaluated: 2022-09-28. Review status: criteria provided, single submitter. Criteria: Ambry Variant Classification Scheme 2023. Collection method: clinical testing. Allele origin: germline.

Labcorp Genetics (formerly Invitae), Labcorp
Classification: Uncertain significance for Imerslund-Grasbeck syndrome. Last evaluated: 2022-02-10. Review status: criteria provided, single submitter. Criteria: Invitae Variant Classification Sherloc (09022015). Collection method: clinical testing. Allele origin: germline.
Comment: In summary, the available evidence is currently insufficient to determine the role of this variant in disease. Therefore, it has been classified as a Variant of Uncertain Significance. Algorithms developed to predict the effect of missense changes on protein structure and function (SIFT, PolyPhen-2, Align-GVGD) all suggest that this variant is likely to be tolerated. ClinVar contains an entry for this variant (Variation ID: 879149). This variant has not been reported in the literature in individuals affected with CUBN-related conditions. This variant is present in population databases (no rsID available, gnomAD 0.006%). This sequence change replaces methionine, which is neutral and non-polar, with valine, which is neutral and non-polar, at codon 1475 of the CUBN protein (p.Met1475Val).

Fulgent Genetics
Classification: Uncertain significance for Imerslund-Grasbeck syndrome type 1; Proteinuria, chronic benign. Last evaluated: 2021-12-25. Review status: criteria provided, single submitter. Criteria: ACMG Guidelines, 2015. Collection method: clinical testing. Allele origin: unknown.

Illumina Laboratory Services, Illumina
Classification: Uncertain significance for Imerslund-Grasbeck syndrome type 1. Last evaluated: 2018-01-13. Review status: criteria provided, single submitter. Criteria: ICSL Variant Classification Criteria 13 December 2019. Collection method: clinical testing. Allele origin: germline.